The following is an entry in ClinVar:

NM_000562.3(C8A):c.1748C>T (p.Ala583Val)

Gene: C8A (complement C8 alpha chain; plus strand). Cytogenetic location: 1p32.2.
Variant type: single nucleotide variant.
Coding change: c.1748C>T on transcript NM_000562.3 (MANE Select); coding-DNA position 1748, C replaced by T.
Protein change: p.Ala583Val; replaces alanine 583 with valine.
Molecular consequence: missense variant.
Genome position (GRCh38, 1-based): chr1:56,917,709, C>T. VCF-style: chr1-56917709-C-T. GRCh37 (hg19) VCF-style: chr1-57383382-C-T.
Other names: short protein forms A583V.
Identifiers: ClinVar variation 2960225 (VCV002960225.1), dbSNP rs766723347, ClinGen allele CA875504.
Genomic context (GRCh38, chr1:56,917,709, plus strand): 5'-ACAATCCAGCACCTCAGAATGGAGGGGCCTCGTGTCCAGGGCGGAAAGTACAGACGCAGG[C>T]TTGCTGAGGGCCTCTGGACACAGGCTGGACCAGATGCTGTGGATGTCGACCCCTGCACTG-3'
Protein context (NP_000553.1, residues 573-584): SCPGRKVQTQ[Ala583Val]C

ClinVar aggregate classification (germline): Uncertain significance (1 of 4 stars; one submission).

Allele frequency attached by ClinVar (database versions not stated): gnomAD 0.00001; gnomAD exomes 0.00001; ExAC 0.00002.
gnomAD v4.1: 8 of 1,613,996 alleles (0.0005%); highest among the groups gnomAD compares: Admixed American, 0.013%; no homozygotes.

Submission:

Labcorp Genetics (formerly Invitae), Labcorp
Classification: Uncertain significance. Last evaluated: 2023-12-02. Review status: criteria provided, single submitter. Criteria: Invitae Variant Classification Sherloc (09022015). Collection method: clinical testing. Allele origin: germline.
Comment: This sequence change replaces alanine, which is neutral and non-polar, with valine, which is neutral and non-polar, at codon 583 of the C8A protein (p.Ala583Val). This variant is present in population databases (rs766723347, gnomAD 0.02%). This variant has not been reported in the literature in individuals affected with C8A-related conditions. An algorithm developed to predict the effect of missense changes on protein structure and function (PolyPhen-2) suggests that this variant is likely to be disruptive. In summary, the available evidence is currently insufficient to determine the role of this variant in disease. Therefore, it has been classified as a Variant of Uncertain Significance.